The following is an entry in ClinVar:

ClinVar aggregate classification (germline): Uncertain significance. Review status: criteria provided, multiple submitters, no conflicts (2 of 4 stars). 2 submissions from 2 submitters: Uncertain significance (2). Last evaluated 2023-08-24.

Allele frequency attached by ClinVar (database versions not stated): gnomAD 0.00001.
gnomAD v4.1: 11 of 1,613,018 alleles (0.00068%); highest among the groups gnomAD compares: East Asian, 0.0022%; no homozygotes.

Submissions (2):

Blueprint Genetics
Classification: Uncertain significance. Last evaluated: 2023-08-24. Review status: criteria provided, single submitter. Criteria: ACMG Guidelines, 2015. Collection method: clinical testing. Allele origin: germline.

Labcorp Genetics (formerly Invitae), Labcorp
Classification: Uncertain significance. Last evaluated: 2022-08-17. Review status: criteria provided, single submitter. Criteria: Invitae Variant Classification Sherloc (09022015). Collection method: clinical testing. Allele origin: germline.
Comment: This variant disrupts the p.Arg312 amino acid residue in CDC14A. Other variant(s) that disrupt this residue have been determined to be pathogenic (PMID: 29293958). This suggests that this residue is clinically significant, and that variants that disrupt this residue are likely to be disease-causing. Algorithms developed to predict the effect of missense changes on protein structure and function (SIFT, PolyPhen-2, Align-GVGD) all suggest that this variant is likely to be disruptive. This variant has not been reported in the literature in individuals affected with CDC14A-related conditions. This variant is present in population databases (rs369245990, gnomAD 0.002%). This sequence change replaces arginine, which is basic and polar, with proline, which is neutral and non-polar, at codon 312 of the CDC14A protein (p.Arg312Pro). In summary, the available evidence is currently insufficient to determine the role of this variant in disease. Therefore, it has been classified as a Variant of Uncertain Significance.

Literature cited by the submitters: PubMed 29293958 (cited by Labcorp Genetics (formerly Invitae), Labcorp).

NM_003672.4(CDC14A):c.935G>C (p.Arg312Pro)

Gene: CDC14A (cell division cycle 14A; plus strand). Cytogenetic location: 1p21.2.
Variant type: single nucleotide variant.
Coding change: c.935G>C on transcript NM_003672.4 (MANE Select); coding-DNA position 935, G replaced by C.
Protein change: p.Arg312Pro; replaces arginine 312 with proline.
Molecular consequence: missense variant.
Genome position (GRCh38, 1-based): chr1:100,468,052, G>C. VCF-style: chr1-100468052-G-C. GRCh37 (hg19) VCF-style: chr1-100933608-G-C.
Other names: c.935G>C, p.Arg312Pro (NM_001319210.2, NM_033312.3, NM_033313.3); c.761G>C, p.Arg254Pro (NM_001319211.2); c.56G>C, p.Arg19Pro (NM_001319212.2); short protein forms R254P, R19P, R312P.
Identifiers: ClinVar variation 2044884 (VCV002044884.5), dbSNP rs369245990, ClinGen allele CA970731.